The following is an entry in ClinVar:

NM_001457.4(FLNB):c.3409G>A (p.Val1137Met)

Gene: FLNB (filamin B; plus strand). Cytogenetic location: 3p14.3.
Variant type: single nucleotide variant.
Coding change: c.3409G>A on transcript NM_001457.4 (MANE Select); coding-DNA position 3409, G replaced by A.
Protein change: p.Val1137Met; replaces valine 1137 with methionine.
Molecular consequence: missense variant.
Genome position (GRCh38, 1-based): chr3:58,123,375, G>A. VCF-style: chr3-58123375-G-A. GRCh37 (hg19) VCF-style: chr3-58109102-G-A.
Other names: c.3409G>A, p.Val1137Met (NM_001164317.2, NM_001164318.2, NM_001164319.2); short protein forms V1137M.
Identifiers: ClinVar variation 903134 (VCV000903134.13), dbSNP rs150475174, ClinGen allele CA2468407.

ClinVar aggregate classification (germline): Conflicting classifications of pathogenicity. Review status: criteria provided, conflicting classifications (1 of 4 stars). 4 submissions from 4 submitters: Uncertain significance (2); Likely benign (1). 1 of the submissions does not count toward it. Last evaluated 2026-03-01.

Conditions:
FLNB-related disorder. Also called: FLNB-related disorders; FLNB-related condition. Identifiers: MedGen CN381095.
FLNB-Related Spectrum Disorders.

Allele frequency attached by ClinVar (database versions not stated): TOPMed 0.00006; 1000 Genomes Project 30x 0.00062; 1000 Genomes Project 0.00080.
gnomAD v4.1: 197 of 1,614,076 alleles (0.012%); highest among the groups gnomAD compares: East Asian, 0.34%; no homozygotes.

Submissions (4):

GeneDx
Classification: Uncertain significance. Last evaluated: 2026-03-01. Review status: criteria provided, single submitter. Criteria: GeneDx Variant Classification Process June 2021. Collection method: clinical testing. Allele origin: germline.
Comment: In silico analysis suggests that this missense variant does not alter protein structure/function; Has not been previously published as pathogenic or benign to our knowledge

Labcorp Genetics (formerly Invitae), Labcorp
Classification: Likely benign. Last evaluated: 2025-12-02. Review status: criteria provided, single submitter. Criteria: Invitae Variant Classification Sherloc (09022015). Collection method: clinical testing. Allele origin: germline.

Illumina Laboratory Services, Illumina
Classification: Uncertain significance for FLNB-Related Spectrum Disorders. Last evaluated: 2018-01-12. Review status: criteria provided, single submitter. Criteria: ICSL Variant Classification Criteria 13 December 2019. Collection method: clinical testing. Allele origin: germline.

PreventionGenetics, part of Exact Sciences
Classification: Uncertain significance for FLNB-related condition. Last evaluated: 2024-06-11. Review status: no assertion criteria provided. Collection method: clinical testing. Allele origin: germline. Not counted in ClinVar's aggregate classification.
Comment: The FLNB c.3409G>A variant is predicted to result in the amino acid substitution p.Val1137Met. To our knowledge, this variant has not been reported in the literature. This variant is reported in 0.027% of alleles in individuals of East Asian descent in gnomAD. At this time, the clinical significance of this variant is uncertain due to the absence of conclusive functional and genetic evidence.